The following is an entry in ClinVar:

ClinVar aggregate classification (germline): Uncertain significance. Review status: criteria provided, single submitter (1 of 4 stars). 2 submissions from 2 submitters: Uncertain significance (1). 1 of the submissions does not count toward it. Last evaluated 2022-09-05.

Conditions:
CFTR-related disorder (CFTR-RD). Also called: CFTR-related condition; CFTR-related disorders. Identifiers: MedGen C5924204, MONDO:7770004.
Cystic fibrosis (CF). Also called: MUCOVISCIDOSIS. Identifiers: Orphanet 586, MedGen C0010674, MONDO:0009061, OMIM 219700. Disease mechanism: loss of function.

Submissions (2):

Institute of Human Genetics, University of Leipzig Medical Center
Classification: Uncertain significance for Cystic fibrosis. Last evaluated: 2022-09-05. Review status: criteria provided, single submitter. Criteria: ACMG Guidelines, 2015. Collection method: curation. Allele origin: unknown. Affected: yes. Observed: 1 variant allele.
Comment: The variant was classified in the context of a project re-classifying variants in the German Cystic Fibrosis Registry (Muko.e.V.). Criteria applied: PM2_SUP, PP3

Natera, Inc.
Classification: Uncertain significance for CFTR-related disorders. Last evaluated: 2025-02-06. Review status: no assertion criteria provided. Collection method: clinical testing. Allele origin: germline. Not counted in ClinVar's aggregate classification.

NM_000492.4(CFTR):c.1709T>C (p.Leu570Ser)

Gene: CFTR (CF transmembrane conductance regulator; plus strand). Cytogenetic location: 7q31.2.
Variant type: single nucleotide variant.
Coding change: c.1709T>C on transcript NM_000492.4 (MANE Select); coding-DNA position 1709, T replaced by C.
Protein change: p.Leu570Ser; replaces leucine 570 with serine.
Molecular consequence: missense variant.
Genome position (GRCh38, 1-based): chr7:117,590,382, T>C. VCF-style: chr7-117590382-T-C. GRCh37 (hg19) VCF-style: chr7-117230436-T-C.
Other names: L570S.
Identifiers: ClinVar variation 1705993 (VCV001705993.2), dbSNP rs2485107328, ClinGen allele CA368977132.